The following is an entry in ClinVar:

NM_000088.4(COL1A1):c.1354-12G>A

Gene: COL1A1 (collagen type I alpha 1 chain; minus strand). Cytogenetic location: 17q21.33.
Variant type: single nucleotide variant.
Coding change: c.1354-12G>A on transcript NM_000088.4 (MANE Select); 12 bases into the intron before coding-DNA position 1354, G replaced by A.
Molecular consequence: intron variant.
Genome position (GRCh38, 1-based): chr17:50,194,840, C>T on the plus strand (G>A on the coding strand, the complement: COL1A1 is on the minus strand). VCF-style: chr17-50194840-C-T. GRCh37 (hg19) VCF-style: chr17-48272201-C-T.
Other names: c.1354-12G>A (LRG_1t1).
Identifiers: ClinVar variation 372754 (VCV000372754.19), dbSNP rs72648337, ClinGen allele CA16042996.

ClinVar aggregate classification (germline): Pathogenic. Review status: criteria provided, multiple submitters, no conflicts (2 of 4 stars). 12 submissions from 12 submitters: Pathogenic (11). 1 of the submissions does not count toward it. Last evaluated 2026-02-04.

Conditions:
Cardiovascular phenotype. Identifiers: MedGen CN230736.
Osteogenesis imperfecta type I (OI1). Also called: Osteogenesis imperfecta type 1; Classic Non-deforming Osteogenesis Imperfecta with Blue Sclerae; OI, TYPE I; OSTEOGENESIS IMPERFECTA TARDA; OSTEOGENESIS IMPERFECTA WITH BLUE SCLERAE; Lobstein disease. Identifiers: Orphanet 216796, Orphanet 666, MedGen C0023931, MONDO:0008146, OMIM 166200. Disease mechanism: loss of function.
COL1A1-related disorder. Also called: COL1A1- related disease; COL1A1-related condition.

Allele frequency attached by ClinVar (database versions not stated): gnomAD 0.00001; TOPMed 0.00001.
gnomAD v4.1: 3 of 1,569,236 alleles (0.00019%); highest among the groups gnomAD compares: Non-Finnish European, 0.00026%; no homozygotes.

Submissions (12):

Ambry Genetics
Classification: Pathogenic for Cardiovascular phenotype. Last evaluated: 2026-02-04. Review status: criteria provided, single submitter. Criteria: Ambry Variant Classification Scheme 2023. Collection method: clinical testing. Allele origin: germline.
Comment: The c.1354-12G>A intronic pathogenic mutation results from a G to A substitution 12 nucleotides upstream from coding exon 21 in the COL1A1 gene. This variant was reported in individual(s) with features consistent with COL1A1-related osteogenesis imperfecta/overlap disorder; in at least one individual, it was determined to be de novo or the result of germline mosaicism (K&ouml;rkk&ouml; J et al. Am J Hum Genet, 1998 Jan;62:98-110; Swinnen FK et al. Orphanet J Rare Dis, 2011 Dec;6:88; Lin HY et al. Orphanet J Rare Dis, 2015 Dec;10:152; Schleit J et al. Hum Mutat, 2015 Jul;36:728-39; Andersson K et al. PLoS One, 2017 May;12:e0176466; Ye X et al. Eur J Med Genet, 2020 Dec;63:104074; Nadyrshina D et al. Genes (Basel), 2022 Jan;13:; Saaciska K et al. Front Endocrinol (Lausanne), 2023 Sep;14:1149982). This variant segregated with disease in at least one family with features consistent with COL1A1-related osteogenesis imperfecta/overlap disorder (Lin X et al. J Endocrinol Invest, 2024 Jan;47:67-77). RNA studies have demonstrated that this variant results in abnormal splicing in the set of samples tested (Li L et al. Front Genet, 2019 Oct;10:979; Li L et al. Hum Mutat, 2019 May;40:588-600). This nucleotide position is poorly conserved in available vertebrate species. In silico splice site analysis predicts that this alteration will weaken the native splice acceptor site and will result in the creation or strengthening of a novel splice acceptor site. This variant is considered to be rare based on population cohorts in the Genome Aggregation Database (gnomAD). Based on the supporting evidence, this variant is interpreted as a disease-causing mutation.

3billion
Classification: Pathogenic for Osteogenesis imperfecta type I. Last evaluated: 2026-01-09. Review status: criteria provided, single submitter. Criteria: ACMG Guidelines, 2015. Collection method: clinical testing. Allele origin: germline. Affected: yes.
Comment: The variant is observed at an extremely low frequency in the gnomAD v4.1.0 dataset (total allele frequency: <0.001%). Predicted Consequence/Location: Intron variant In silico tools predict the variant to alter splicing and produce an abnormal transcript [SpliceAI: 0.99 (>=0.2, moderate evidence for spliceogenicity)]. The variant has been observed in at least two similarly affected unrelated individuals (PMID: 22206639, 26627451, 28498836). The variant has been reported to co-segregate with the disease in at least 5 similarly affected relatives/individuals in the same family or similarly affected unrelated families (PMID: 22206639). The variant has been reported at least twice as pathogenic with clinical assertions and evidence for the classification (ClinVar ID: VCV000372754 /PMID: 9443882). Therefore, this variant is classified as Pathogenic according to the recommendation of ACMG/AMP guideline.

Dasa
Classification: Pathogenic. Last evaluated: 2025-11-06. Review status: criteria provided, single submitter. Criteria: DASA Assertion Criteria. Collection method: clinical testing. Allele origin: germline.
Comment: NM_000088.4(COL1A1):c.1354-12G>A introduces a premature termination codon predicted to result in loss of normal protein function. Loss-of-function is an established mechanism of disease for this gene. Functional evidence supports a deleterious effect on the gene or gene product (PMID: 17078022; PMID: 31737030). This variant has been recurrently observed in individuals with related phenotype (PMID: 17078022; PMID: 31737030). Multiple computational predictions support a deleterious effect on the gene or gene product. The variant is present at low frequency in population datasets. Based on the available data, this variant is classified as pathogenic.

Clinical Biomedical Laboratory, Shriners Hospital For Children - Canada
Classification: Pathogenic for Osteogenesis imperfecta type I. Last evaluated: 2025-05-23. Review status: criteria provided, single submitter. Criteria: ACMG Guidelines, 2015. Collection method: clinical testing. Allele origin: germline. Affected: yes.
Comment: This variant affect the acceptor splice region in intron 20 of COL1A1. This variant has been reported in literature as a cause of osteogenesis imperfecta type 1 (PMID 25963598) and has been shown to affect COL1A1 splicing in urine-derived cells (PMID 37293821). In the Genome Aggregation Database (gnomAD v2.1.1) this variant is not present.

Labcorp Genetics (formerly Invitae), Labcorp
Classification: Pathogenic for Osteogenesis imperfecta type I. Last evaluated: 2025-03-10. Review status: criteria provided, single submitter. Criteria: Invitae Variant Classification Sherloc (09022015). Collection method: clinical testing. Allele origin: germline.
Comment: This sequence change falls in intron 20 of the COL1A1 gene. It does not directly change the encoded amino acid sequence of the COL1A1 protein. This variant is not present in population databases (gnomAD no frequency). This variant has been observed in individuals with osteogenesis imperfecta (PMID: 17078022, 22206639, 25963598, 26627451, 28498836). It has also been observed to segregate with disease in related individuals. ClinVar contains an entry for this variant (Variation ID: 372754). Studies have shown that this variant alters COL1A1 gene expression (PMID: 9443882). Algorithms developed to predict the effect of sequence changes on RNA splicing suggest that this variant may disrupt the consensus splice site. For these reasons, this variant has been classified as Pathogenic.

Women's Health and Genetics/Laboratory Corporation of America, LabCorp
Classification: Pathogenic for Osteogenesis imperfecta type I. Last evaluated: 2025-01-27. Review status: criteria provided, single submitter. Criteria: LabCorp Variant Classification Summary - May 2015. Collection method: clinical testing. Allele origin: germline.
Comment: Variant summary: COL1A1 c.1354-12G>A alters a nucleotide located at a position not widely known to affect splicing. Several computational tools predict a significant impact on normal splicing: Four predict the variant creates a 3' cryptic acceptor site. One predict the variant abolishes a 3' acceptor site. Two predict the variant weakens a 3' acceptor site. At least one publication reports experimental evidence that this variant activated a cryptic splice acceptor site and produced the resultant extended exon (p.Gly452Profs*26) (Li_2019). The variant was absent in 178524 control chromosomes (gnomAD). c.1354-12G>A has been reported in the literature in multiple individuals affected with Osteogenesis imperfecta type I (Korkko_1998, Schleit_2015, Li_2019). These data indicate that the variant is very likely to be associated with disease. The following publications have been ascertained in the context of this evaluation (PMID: 9443882, 31737030, 25963598). ClinVar contains an entry for this variant (Variation ID: 372754). Based on the evidence outlined above, the variant was classified as pathogenic.

GeneDx
Classification: Pathogenic. Last evaluated: 2024-07-15. Review status: criteria provided, single submitter. Criteria: GeneDx Variant Classification Process June 2021. Collection method: clinical testing. Allele origin: germline. Affected: yes.
Comment: Non-canonical splice site variant demonstrated to result in loss of function (PMID: 9443882, 17078022, 25963598, 30715774, 37293821) in a gene for which loss of function is a known mechanism of disease; Not observed at significant frequency in large population cohorts (gnomAD); This variant is associated with the following publications: (PMID: 9443882, 37270749, 22206639, 26627451, 17078022, 25963598, 25944380, 32980524, 28498836, 35052464, 37293821, 30715774)

Blueprint Genetics
Classification: Pathogenic for COL1A1-related disorders. Last evaluated: 2023-07-03. Review status: criteria provided, single submitter. Criteria: ACMG Guidelines, 2015. Collection method: clinical testing. Allele origin: germline. Affected: yes. Observed: 2 variant alleles.

MVZ Medizinische Genetik Mainz
Classification: Pathogenic for Osteogenesis imperfecta type I. Last evaluated: 2023-06-20. Review status: criteria provided, single submitter. Criteria: UK Practice Guidelines For Variant Classification V4 01 2020. Collection method: clinical testing. Allele origin: germline. Inheritance: Autosomal dominant inheritance. Affected: yes. Observed: 1 variant allele.
Comment: ACMG Criteria: PS3,PS4,PM2_SUP,PP1,PP3,PP4

Laboratory of Medical Genetics, National & Kapodistrian University of Athens
Classification: Pathogenic for Osteogenesis imperfecta type I. Last evaluated: 2022-12-07. Review status: criteria provided, single submitter. Criteria: ACMG Guidelines, 2015. Collection method: clinical testing. Allele origin: de novo. Affected: yes.
Comment: PVS1, PM2, PP3, PP5

Department of Human Genetics, Medical Research Institute, Alexandria University
Classification: Pathogenic for Osteogenesis imperfecta type I. Review status: criteria provided, single submitter. Criteria: ACMG Guidelines, 2015. Collection method: research. Allele origin: paternal. Inheritance: Autosomal dominant inheritance. Affected: yes.

Department of Medical Sciences, Uppsala University
Classification: Pathogenic for OI type I. Review status: no assertion criteria provided. Collection method: clinical testing. Allele origin: unknown. Affected: yes. Observed: 1 variant allele. Not counted in ClinVar's aggregate classification.

Literature cited by the submitters: PubMed 22206639 (cited by 3 submitters); PubMed 25963598 (cited by 4 submitters); PubMed 26627451 (cited by 3 submitters); PubMed 28498836 (cited by 3 submitters); PubMed 30715774 (cited by Ambry Genetics); PubMed 31737030 (cited by 3 submitters); PubMed 32980524 (cited by Ambry Genetics); PubMed 35052464 (cited by Ambry Genetics); PubMed 37270749 (cited by Ambry Genetics); PubMed 37810882 (cited by Ambry Genetics); PubMed 38702915 (cited by Ambry Genetics); PubMed 9443882 (cited by 4 submitters); PubMed 17078022 (cited by Dasa and Labcorp Genetics (formerly Invitae), Labcorp); PubMed 25944380 (cited by Department of Medical Sciences, Uppsala University).